The following is an entry in ClinVar:

ClinVar aggregate classification (germline): Uncertain significance (1 of 4 stars; one submission).

Conditions:
Gorlin syndrome. Also called: Nevoid Basal Cell Carcinoma Syndrome; Basal cell nevus syndrome. Identifiers: Orphanet 377, MedGen C0004779, MONDO:0007187.

Allele frequency attached by ClinVar (database versions not stated): gnomAD exomes below 0.00001 and 0.00001; ExAC 0.00002.
gnomAD v4.1: 7 of 1,603,750 alleles (0.00044%); highest among the groups gnomAD compares: South Asian, 0.0011%; no homozygotes.

Submission:

Labcorp Genetics (formerly Invitae), Labcorp
Classification: Uncertain significance for Gorlin syndrome. Last evaluated: 2019-03-25. Review status: criteria provided, single submitter. Criteria: Invitae Variant Classification Sherloc (09022015). Collection method: clinical testing. Allele origin: germline.
Comment: In summary, the available evidence is currently insufficient to determine the role of this variant in disease. Therefore, it has been classified as a Variant of Uncertain Significance. Algorithms developed to predict the effect of sequence changes on RNA splicing suggest that this variant may create or strengthen a splice site, but this prediction has not been confirmed by published transcriptional studies. Algorithms developed to predict the effect of missense changes on protein structure and function (SIFT, PolyPhen-2, Align-GVGD) all suggest that this variant is likely to be disruptive, but these predictions have not been confirmed by published functional studies and their clinical significance is uncertain. This variant has not been reported in the literature in individuals with PTCH2-related conditions. This variant is present in population databases (rs774556844, ExAC 0.01%). This sequence change replaces glycine with serine at codon 467 of the PTCH2 protein (p.Gly467Ser). The glycine residue is highly conserved and there is a small physicochemical difference between glycine and serine.

NM_003738.5(PTCH2):c.1399G>A (p.Gly467Ser)

Gene: PTCH2 (patched 2; minus strand). Cytogenetic location: 1p34.1.
Variant type: single nucleotide variant.
Coding change: c.1399G>A on transcript NM_003738.5 (MANE Select); coding-DNA position 1399, G replaced by A.
Protein change: p.Gly467Ser; replaces glycine 467 with serine.
Molecular consequence: missense variant.
Genome position (GRCh38, 1-based): chr1:44,829,047, C>T on the plus strand (G>A on the coding strand, the complement: PTCH2 is on the minus strand). VCF-style: chr1-44829047-C-T. GRCh37 (hg19) VCF-style: chr1-45294719-C-T.
Other names: c.1399G>A, p.Gly467Ser (NM_001166292.2); short protein forms G467S.
Identifiers: ClinVar variation 843083 (VCV000843083.10), dbSNP rs774556844, ClinGen allele CA823320.